The following is an entry in ClinVar:

ClinVar aggregate classification (germline): Uncertain significance (1 of 4 stars; one submission).

Submission:

Labcorp Genetics (formerly Invitae), Labcorp
Classification: Uncertain significance. Last evaluated: 2022-07-15. Review status: criteria provided, single submitter. Criteria: Invitae Variant Classification Sherloc (09022015). Collection method: clinical testing. Allele origin: germline.
Comment: This variant is not present in population databases (gnomAD no frequency). In summary, the available evidence is currently insufficient to determine the role of this variant in disease. Therefore, it has been classified as a Variant of Uncertain Significance. Algorithms developed to predict the effect of missense changes on protein structure and function are either unavailable or do not agree on the potential impact of this missense change (SIFT: "Deleterious"; PolyPhen-2: "Benign"; Align-GVGD: "Class C0"). This variant has not been reported in the literature in individuals affected with ADGRE2-related conditions. This sequence change replaces threonine, which is neutral and polar, with isoleucine, which is neutral and non-polar, at codon 613 of the ADGRE2 protein (p.Thr613Ile).

NM_013447.4(ADGRE2):c.1838C>T (p.Thr613Ile)

Gene: ADGRE2 (adhesion G protein-coupled receptor E2; minus strand). Cytogenetic location: 19p13.12.
Variant type: single nucleotide variant.
Coding change: c.1838C>T on transcript NM_013447.4 (MANE Select); coding-DNA position 1838, C replaced by T.
Protein change: p.Thr613Ile; replaces threonine 613 with isoleucine.
Molecular consequence: missense variant.
Genome position (GRCh38, 1-based): chr19:14,751,622, G>A on the plus strand (C>T on the coding strand, the complement: ADGRE2 is on the minus strand). VCF-style: chr19-14751622-G-A. GRCh37 (hg19) VCF-style: chr19-14862434-G-A.
Other names: c.1664C>T, p.Thr555Ile (NM_001271052.1); c.1691C>T, p.Thr564Ile (NM_152916.2); c.1559C>T, p.Thr520Ile (NM_152917.2); short protein forms T555I, T520I, T564I, T613I.
Identifiers: ClinVar variation 2182032 (VCV002182032.4), dbSNP rs2513035351, ClinGen allele CA404453085.